The following is an entry in ClinVar:

NM_001243133.2(NLRP3):c.2817C>T (p.Cys939=)

Gene: NLRP3 (NLR family pyrin domain containing 3; plus strand). Cytogenetic location: 1q44.
Variant type: single nucleotide variant.
Coding change: c.2817C>T on transcript NM_001243133.2 (MANE Select); coding-DNA position 2817, C replaced by T.
Protein change: p.Cys939=; no amino-acid change (cysteine 939 retained).
Molecular consequence: synonymous variant.
Genome position (GRCh38, 1-based): chr1:247,444,125, C>T. VCF-style: chr1-247444125-C-T. GRCh37 (hg19) VCF-style: chr1-247607427-C-T.
Other names: c.2817C>T, p.Cys939= (NM_001079821.3); c.2646C>T, p.Cys882= (NM_001127461.3, NM_001127462.3); c.2823C>T, p.Cys941= (NM_004895.5); c.2475C>T, p.Cys825= (NM_183395.3).
Identifiers: ClinVar variation 4989464 (VCV004989464.1).

ClinVar aggregate classification (germline): Uncertain significance (1 of 4 stars; one submission).

Conditions:
NLRP3-related disorder. Also called: NLRP3-related condition; NLRP3-Related Disorders.

Submission:

PreventionGenetics, part of Exact Sciences
Classification: Uncertain significance for NLRP3-related condition. Last evaluated: 2025-08-27. Review status: criteria provided, single submitter. Criteria: ACMG Guidelines, 2015. Collection method: clinical testing. Allele origin: germline.
Comment: The NLRP3 c.2823C>T variant is not predicted to result in an amino acid change (p.=). This variant is predicted to alter splicing based on available splicing prediction programs (SpliceAI, Jaganathan et al. 2019. PubMed ID: 30661751). However, the use of computer prediction programs is not equivalent to functional evidence. To our knowledge, this variant has not been reported in the literature or in a large population database (gnomAD), indicating this variant is rare. At this time, the clinical significance of this variant is uncertain due to the absence of conclusive functional and genetic evidence.